The following is an entry in ClinVar:

NC_000008.10:g.(?_6264189)_(6293703_?)del

Gene: MCPH1 (microcephalin 1; plus strand). Cytogenetic location: 8p23.1.
Variant type: Deletion.
Identifiers: ClinVar variation 3245600 (VCV003245600.1).

ClinVar aggregate classification (germline): Pathogenic (1 of 4 stars; one submission).

Submission:

Labcorp Genetics (formerly Invitae), Labcorp
Classification: Pathogenic. Last evaluated: 2023-04-30. Review status: criteria provided, single submitter. Criteria: Invitae Variant Classification Sherloc (09022015). Collection method: clinical testing. Allele origin: unknown.
Comment: For these reasons, this variant has been classified as Pathogenic. This variant has not been reported in the literature in individuals affected with MCPH1-related conditions. This variant is a gross deletion of the genomic region encompassing exon(s) 1-5 of the MCPH1 gene, which includes the initiator codon. This deletion extends beyond the assayed region for this gene and therefore may encompass additional genes. It is expected to result in an absent or disrupted protein product. Loss-of-function variants in MCPH1 are known to be pathogenic (PMID: 20978018).

Literature cited by the submitters: PubMed 20978018.